The following is an entry in ClinVar:

ClinVar aggregate classification (germline): Uncertain significance (1 of 4 stars; one submission).

Allele frequency attached by ClinVar (database versions not stated): ExAC 0.00001; gnomAD 0.00001; gnomAD exomes 0.00001.
gnomAD v4.1: 19 of 1,613,992 alleles (0.0012%); highest among the groups gnomAD compares: Non-Finnish European, 0.00085%; no homozygotes.

Submission:

Labcorp Genetics (formerly Invitae), Labcorp
Classification: Uncertain significance. Last evaluated: 2022-05-30. Review status: criteria provided, single submitter. Criteria: Invitae Variant Classification Sherloc (09022015). Collection method: clinical testing. Allele origin: germline.
Comment: This sequence change replaces arginine, which is basic and polar, with tryptophan, which is neutral and slightly polar, at codon 140 of the NEK2 protein (p.Arg140Trp). This variant is present in population databases (rs778979955, gnomAD 0.02%). This variant has not been reported in the literature in individuals affected with NEK2-related conditions. Algorithms developed to predict the effect of missense changes on protein structure and function are either unavailable or do not agree on the potential impact of this missense change (SIFT: "Deleterious"; PolyPhen-2: "Probably Damaging"; Align-GVGD: "Class C0"). In summary, the available evidence is currently insufficient to determine the role of this variant in disease. Therefore, it has been classified as a Variant of Uncertain Significance.

NM_002497.4(NEK2):c.418C>T (p.Arg140Trp)

Gene: NEK2 (NIMA related kinase 2; minus strand). Cytogenetic location: 1q32.3.
Variant type: single nucleotide variant.
Coding change: c.418C>T on transcript NM_002497.4 (MANE Select); coding-DNA position 418, C replaced by T.
Protein change: p.Arg140Trp; replaces arginine 140 with tryptophan.
Molecular consequence: missense variant.
Genome position (GRCh38, 1-based): chr1:211,673,620, G>A on the plus strand (C>T on the coding strand, the complement: NEK2 is on the minus strand). VCF-style: chr1-211673620-G-A. GRCh37 (hg19) VCF-style: chr1-211846962-G-A.
Other names: c.418C>T, p.Arg140Trp (NM_001204182.2, NM_001204183.2); short protein forms R140W.
Identifiers: ClinVar variation 1913935 (VCV001913935.5), dbSNP rs778979955, ClinGen allele CA1381691.